The following is an entry in ClinVar:

NM_001377540.1(SLMAP):c.1987G>T (p.Asp663Tyr)

Gene: SLMAP (sarcolemma associated protein; plus strand). Cytogenetic location: 3p14.3.
Variant type: single nucleotide variant.
Coding change: c.1987G>T on transcript NM_001377540.1 (MANE Select); coding-DNA position 1987, G replaced by T.
Protein change: p.Asp663Tyr; replaces aspartic acid 663 with tyrosine.
Molecular consequence: missense variant. On other transcripts: non-coding transcript variant (1).
Genome position (GRCh38, 1-based): chr3:57,912,668, G>T. VCF-style: chr3-57912668-G-T. GRCh37 (hg19) VCF-style: chr3-57898395-G-T.
Other names: c.340G>T, p.Asp114Tyr (NM_001304423.3); c.538G>T, p.Asp180Tyr (NM_001311178.2, NM_001304422.3); c.415G>T, p.Asp139Tyr (NM_001311179.2, NM_001377926.1, NM_001377927.1 and 1 more transcripts); c.2008G>T, p.Asp670Tyr (NM_001377538.1); c.1987G>T, p.Asp663Tyr (NM_001377539.1); c.1936G>T, p.Asp646Tyr (NM_001377541.1, NM_001377542.1, NM_001304420.3); c.1924G>T, p.Asp642Tyr (NM_001377545.1); c.1885G>T, p.Asp629Tyr (NM_001377549.1, NM_007159.5); and 8 more; short protein forms D180Y, D601Y, D605Y, D608Y, D629Y, D670Y, D625Y, D114Y.
Identifiers: ClinVar variation 3649887 (VCV003649887.2).
Genomic context (GRCh38, chr3:57,912,668, plus strand): 5'-TATGAGAAAGAAATCACAAGTCTGCAAAACAGTTTTCAGCTTAGATGTCAACAGTGTGAG[G>T]ACCAGCAGAGAGAAGAAGCAACAAGGTTGCAAGGTGAATAAATGTATTTTACATAAAGCT-3'
Protein context (NP_001364469.1, residues 653-673): SFQLRCQQCE[Asp663Tyr]QQREEATRLQ

ClinVar aggregate classification (germline): Uncertain significance (1 of 4 stars; one submission).

Conditions:
Brugada syndrome. Also called: Sudden Unexplained Death Syndrome; Sudden Unexplained Nocturnal Death Syndrome (SUNDS); Sudden unexpected nocturnal death syndrome; Sudden unexplained nocturnal death syndrome. Identifiers: Orphanet 130, MedGen C1142166, MONDO:0015263.

Submission:

Labcorp Genetics (formerly Invitae), Labcorp
Classification: Uncertain significance for Brugada syndrome. Last evaluated: 2024-04-24. Review status: criteria provided, single submitter. Criteria: Invitae Variant Classification Sherloc (09022015). Collection method: clinical testing. Allele origin: germline.
Comment: This sequence change replaces aspartic acid, which is acidic and polar, with tyrosine, which is neutral and polar, at codon 629 of the SLMAP protein (p.Asp629Tyr). This variant is not present in population databases (gnomAD no frequency). This variant has not been reported in the literature in individuals affected with SLMAP-related conditions. An algorithm developed to predict the effect of missense changes on protein structure and function (PolyPhen-2) suggests that this variant is likely to be tolerated. In summary, the available evidence is currently insufficient to determine the role of this variant in disease. Therefore, it has been classified as a Variant of Uncertain Significance.